The following is an entry in ClinVar:

ClinVar aggregate classification (germline): Uncertain significance (1 of 4 stars; one submission).

Conditions:
Breast-ovarian cancer, familial, susceptibility to, 4. Identifiers: Orphanet 145, MedGen C3280345, MONDO:0013669, OMIM 614291.

Submission:

Labcorp Genetics (formerly Invitae), Labcorp
Classification: Uncertain significance for Breast-ovarian cancer, familial, susceptibility to, 4. Last evaluated: 2023-12-13. Review status: criteria provided, single submitter. Criteria: Invitae Variant Classification Sherloc (09022015). Collection method: clinical testing. Allele origin: germline.
Comment: This sequence change affects a donor splice site in intron 9 of the RAD51D gene. While this variant is not anticipated to result in nonsense mediated decay, it likely alters RNA splicing and results in a disrupted protein product. This variant is not present in population databases (gnomAD no frequency). This variant has not been reported in the literature in individuals affected with RAD51D-related conditions. Variants that disrupt the consensus splice site are a relatively common cause of aberrant splicing (PMID: 17576681, 9536098). Studies have shown that disruption of this splice site is associated with inconclusive levels of altered splicing (Invitae). In summary, the available evidence is currently insufficient to determine the role of this variant in disease. Therefore, it has been classified as a Variant of Uncertain Significance.

Literature cited by the submitters: PubMed 17576681; PubMed 9536098.

NM_002878.4(RAD51D):c.903+1G>T

Genes: RAD51L3-RFFL (RAD51L3-RFFL readthrough; minus strand), RAD51D (RAD51 paralog D; minus strand). Cytogenetic location: 17q12.
Variant type: single nucleotide variant.
Coding change: c.903+1G>T on transcript NM_002878.4 (MANE Select); the canonical splice donor site of the intron after coding-DNA position 903, G replaced by T.
Molecular consequence: splice donor variant.
Genome position (GRCh38, 1-based): chr17:35,101,200, C>A on the plus strand (G>T on the coding strand, the complement: RAD51D is on the minus strand). VCF-style: chr17-35101200-C-A. GRCh37 (hg19) VCF-style: chr17-33428219-C-A.
Other names: c.567+1G>T (NM_133629.3); c.963+1G>T (NM_001142571.2).
Identifiers: ClinVar variation 2702803 (VCV002702803.3), dbSNP rs2142410813, ClinGen allele CA399086225.